The following is an entry in ClinVar:

NM_031229.4(RBCK1):c.1055G>A (p.Arg352Gln)

Gene: RBCK1 (RANBP2-type and C3HC4-type zinc finger containing 1; plus strand). Cytogenetic location: 20p13.
Variant type: single nucleotide variant.
Coding change: c.1055G>A on transcript NM_031229.4 (MANE Select); coding-DNA position 1055, G replaced by A.
Protein change: p.Arg352Gln; replaces arginine 352 with glutamine.
Molecular consequence: missense variant. On other transcripts: non-coding transcript variant (1).
Genome position (GRCh38, 1-based): chr20:427,338, G>A. VCF-style: chr20-427338-G-A. GRCh37 (hg19) VCF-style: chr20-407982-G-A.
Other names: c.545G>A, p.Arg182Gln (NM_001323956.2, NM_001323958.2); c.929G>A, p.Arg310Gln (NM_006462.6); short protein forms R310Q, R352Q, R182Q.
Identifiers: ClinVar variation 967854 (VCV000967854.5), dbSNP rs776253021, ClinGen allele CA9723273.

ClinVar aggregate classification (germline): Uncertain significance (1 of 4 stars; one submission).

Conditions:
Polyglucosan body myopathy type 1 (PGBM1). Also called: Polyglucosan body myopathy 1 with or without immunodeficiency; POLYGLUCOSAN BODY MYOPATHY WITHOUT IMMUNODEFICIENCY. Identifiers: Orphanet 329173, Orphanet 397937, MedGen C4014605, MONDO:0014389, OMIM 615895.

Allele frequency attached by ClinVar (database versions not stated): TOPMed below 0.00001; ExAC 0.00002; gnomAD exomes 0.00002; gnomAD 0.00003 and 0.00004.
gnomAD v4.1: 40 of 1,613,978 alleles (0.0025%); highest among the groups gnomAD compares: Non-Finnish European, 0.0019%; no homozygotes.

Submission:

Labcorp Genetics (formerly Invitae), Labcorp
Classification: Uncertain significance for Polyglucosan body myopathy type 1. Last evaluated: 2021-12-02. Review status: criteria provided, single submitter. Criteria: Invitae Variant Classification Sherloc (09022015). Collection method: clinical testing. Allele origin: germline.
Comment: This sequence change replaces arginine, which is basic and polar, with glutamine, which is neutral and polar, at codon 352 of the RBCK1 protein (p.Arg352Gln). This variant is present in population databases (rs776253021, gnomAD 0.02%). This variant has not been reported in the literature in individuals affected with RBCK1-related conditions. ClinVar contains an entry for this variant (Variation ID: 967854). Algorithms developed to predict the effect of missense changes on protein structure and function are either unavailable or do not agree on the potential impact of this missense change (SIFT: "Not Available"; PolyPhen-2: "Benign"; Align-GVGD: "Not Available"). In summary, the available evidence is currently insufficient to determine the role of this variant in disease. Therefore, it has been classified as a Variant of Uncertain Significance.